The following is an entry in ClinVar:

ClinVar aggregate classification (germline): Uncertain significance (1 of 4 stars; one submission).

Conditions:
Ehlers-Danlos syndrome, type 4 (EDSVASC). Also called: Ehlers-Danlos syndrome vascular type; Ehlers Danlos syndrome, ecchymotic type; Ehlers Danlos syndrome, arterial type; Ehlers Danlos syndrome, Sack-Barabas type; Ehlers-Danlos Syndrome Type IV. Identifiers: Orphanet 286, MedGen C0268338, MONDO:0017314, OMIM 130050.

gnomAD v4.1: 1 of 1,613,970 alleles (0.000062%); highest among the groups gnomAD compares: Non-Finnish European, 0.000085%; no homozygotes.

Submission:

Labcorp Genetics (formerly Invitae), Labcorp
Classification: Uncertain significance for Ehlers-Danlos syndrome, type 4. Last evaluated: 2025-11-28. Review status: criteria provided, single submitter. Criteria: Invitae Variant Classification Sherloc (09022015). Collection method: clinical testing. Allele origin: germline.
Comment: This sequence change replaces histidine, which is basic and polar, with glutamine, which is neutral and polar, at codon 1180 of the COL3A1 protein (p.His1180Gln). This variant is not present in population databases (gnomAD no frequency). This variant has not been reported in the literature in individuals affected with COL3A1-related conditions. Invitae Evidence Modeling of protein sequence and biophysical properties (such as structural, functional, and spatial information, amino acid conservation, physicochemical variation, residue mobility, and thermodynamic stability) indicates that this missense variant is not expected to disrupt COL3A1 protein function with a negative predictive value of 95%. In summary, the available evidence is currently insufficient to determine the role of this variant in disease. Therefore, it has been classified as a Variant of Uncertain Significance.

NM_000090.4(COL3A1):c.3540C>A (p.His1180Gln)

Gene: COL3A1 (collagen type III alpha 1 chain; plus strand). Cytogenetic location: 2q32.2.
Variant type: single nucleotide variant.
Coding change: c.3540C>A on transcript NM_000090.4 (MANE Select); coding-DNA position 3540, C replaced by A.
Protein change: p.His1180Gln; replaces histidine 1180 with glutamine.
Molecular consequence: missense variant.
Genome position (GRCh38, 1-based): chr2:189,008,938, C>A. VCF-style: chr2-189008938-C-A. GRCh37 (hg19) VCF-style: chr2-189873664-C-A.
Other names: short protein forms H1180Q.
Identifiers: ClinVar variation 4800332 (VCV004800332.1).